The following is an entry in ClinVar:

NM_198252.3(GSN):c.-9-1987G>A

Gene: GSN (gelsolin; plus strand). Cytogenetic location: 9q33.2.
Variant type: single nucleotide variant.
Coding change: c.-9-1987G>A on transcript NM_198252.3 (MANE Select); 1987 bases into the intron before 9 bases upstream of the start codon, G replaced by A.
Molecular consequence: intron variant. On other transcripts: missense variant (1).
Genome position (GRCh38, 1-based): chr9:121,299,976, G>A. VCF-style: chr9-121299976-G-A. GRCh37 (hg19) VCF-style: chr9-124062254-G-A.
Other names: c.115G>A, p.Ala39Thr (NM_000177.5); c.-9-1987G>A (NM_001353054.1, NM_001353053.1, NM_001353060.2 and 5 more transcripts); c.-47-80G>A (NM_001353064.2, NM_001353066.2, NM_001353072.2 and 8 more transcripts); c.-1-1995G>A (NM_001353058.2, NM_001353059.2, NM_001353056.2 and 1 more transcripts); c.-38-89G>A (NM_001353073.2, NM_001353065.2, NM_001353068.2 and 2 more transcripts); c.100-1987G>A (NM_001127663.2); c.-32-95G>A (NM_001353070.2); c.-48-1948G>A (NM_001353055.2); and 3 more; short protein forms A39T.
Identifiers: ClinVar variation 1355918 (VCV001355918.12), dbSNP rs761582266, ClinGen allele CA5220659.

ClinVar aggregate classification (germline): Uncertain significance. Review status: criteria provided, multiple submitters, no conflicts (2 of 4 stars). 4 submissions from 4 submitters: Uncertain significance (4). Last evaluated 2026-01-22.

Conditions:
Finnish type amyloidosis. Also called: Lattice corneal dystrophy associated with familial systemic amyloidosis; Meretoja's syndrome; Lattice dystrophy of the cornea with hereditary generalized amyloidosis; AMYLOIDOSIS, HEREDITARY SYSTEMIC 4, FINNISH TYPE; Amyloidosis, familial, Finnish type; Meretoja type amyloidosis. Identifiers: Orphanet 85448, MedGen C1622345, MONDO:0007097, OMIM 105120.
GSN-related disorder. Also called: GSN-related condition.
Inborn genetic diseases. Identifiers: MedGen C0950123, MeSH D030342.

Allele frequency attached by ClinVar (database versions not stated): gnomAD exomes 0.00002; gnomAD 0.00003; TOPMed 0.00003; ExAC 0.00007.
gnomAD v4.1: 32 of 1,340,560 alleles (0.0024%); highest among the groups gnomAD compares: Non-Finnish European, 0.003%; no homozygotes.

Submissions (4):

PreventionGenetics, part of Exact Sciences
Classification: Uncertain significance for GSN-related condition. Last evaluated: 2026-01-22. Review status: criteria provided, single submitter. Criteria: ACMG Guidelines, 2015. Collection method: clinical testing. Allele origin: germline.
Comment: The GSN c.115G>A variant is predicted to result in the amino acid substitution p.Ala39Thr. To our knowledge, this variant has not been reported in the literature. This variant is reported in 0.0066% of alleles in individuals of European (non-Finnish) descent in gnomAD. At this time, the clinical significance of this variant is uncertain due to the absence of conclusive functional and genetic evidence.

Labcorp Genetics (formerly Invitae), Labcorp
Classification: Uncertain significance. Last evaluated: 2024-12-31. Review status: criteria provided, single submitter. Criteria: Invitae Variant Classification Sherloc (09022015). Collection method: clinical testing. Allele origin: germline.
Comment: This sequence change replaces alanine, which is neutral and non-polar, with threonine, which is neutral and polar, at codon 39 of the GSN protein (p.Ala39Thr). This variant is present in population databases (rs761582266, gnomAD 0.003%). This variant has not been reported in the literature in individuals affected with GSN-related conditions. ClinVar contains an entry for this variant (Variation ID: 1355918). An algorithm developed to predict the effect of missense changes on protein structure and function (PolyPhen-2) suggests that this variant is likely to be tolerated. In summary, the available evidence is currently insufficient to determine the role of this variant in disease. Therefore, it has been classified as a Variant of Uncertain Significance.

Fulgent Genetics
Classification: Uncertain significance for Finnish type amyloidosis. Last evaluated: 2024-03-06. Review status: criteria provided, single submitter. Criteria: ACMG Guidelines, 2015. Collection method: clinical testing. Allele origin: germline.

Ambry Genetics
Classification: Uncertain significance for Inborn genetic diseases. Last evaluated: 2024-01-19. Review status: criteria provided, single submitter. Criteria: Ambry Variant Classification Scheme 2023. Collection method: clinical testing. Allele origin: germline.
Comment: The c.115G>A (p.A39T) alteration is located in exon 1 (coding exon 1) of the GSN gene. This alteration results from a G to A substitution at nucleotide position 115, causing the alanine (A) at amino acid position 39 to be replaced by a threonine (T). The alteration has been observed in population databases: _x000D_ _x000D_ Based on data from the Genome Aggregation Database (gnomAD), the c.115G>A alteration was observed in 0.003% (1/30,372) of total alleles studied. The altered amino acid is not conserved throughout evolution:_x000D_ _x000D_ The p.A39 amino acid is not conserved in available vertebrate species. The alteration is predicted tolerated by in silico modeling:_x000D_ _x000D_ The p.A39T alteration is predicted to be tolerated by in silico analysis. Based on insufficient or conflicting evidence, the clinical significance of this alteration remains unclear.